The following is an entry in ClinVar:

ClinVar aggregate classification (germline): Benign (0 of 4 stars; one submission).

Conditions:
DCHS2-related disorder. Also called: DCHS2-related condition.

Allele frequency attached by ClinVar (database versions not stated): gnomAD exomes 0.02366; ExAC 0.02766; gnomAD 0.04046; ESP Exome Variant Server 0.04137; TOPMed 0.04471; 1000 Genomes Project 0.04593; 1000 Genomes Project 30x 0.04763.
gnomAD v4.1: 40,888 of 1,613,970 alleles (2.5%); highest among the groups gnomAD compares: African/African-American, 8.3%; 771 homozygotes.

Submission:

PreventionGenetics, part of Exact Sciences
Classification: Benign for DCHS2-related condition. Last evaluated: 2019-08-08. Review status: no assertion criteria provided. Collection method: clinical testing. Allele origin: germline.
Comment: This variant is classified as benign based on ACMG/AMP sequence variant interpretation guidelines (Richards et al. 2015 PMID: 25741868, with internal and published modifications).

NM_001358235.2(DCHS2):c.9262C>T (p.His3088Tyr)

Genes: DCHS2 (dachsous cadherin-related 2; minus strand), DCHS2-AS1 (DCHS2 antisense RNA 1; plus strand). Cytogenetic location: 4q31.3.
Variant type: single nucleotide variant.
Coding change: c.9262C>T on transcript NM_001358235.2 (MANE Select); coding-DNA position 9262, C replaced by T.
Protein change: p.His3088Tyr; replaces histidine 3088 with tyrosine.
Molecular consequence: missense variant.
Genome position (GRCh38, 1-based): chr4:154,235,390, G>A on the plus strand (C>T on the coding strand, the complement: DCHS2 is on the minus strand). VCF-style: chr4-154235390-G-A. GRCh37 (hg19) VCF-style: chr4-155156542-G-A.
Other names: short protein forms H3088Y.
Identifiers: ClinVar variation 3056142 (VCV003056142.2), dbSNP rs61741046, ClinGen allele CA3111776.